The following is an entry in ClinVar:

ClinVar aggregate classification (germline): Uncertain significance. Review status: criteria provided, multiple submitters, no conflicts (2 of 4 stars). 2 submissions from 2 submitters: Uncertain significance (2). Last evaluated 2024-05-30.

Conditions:
Malignant hyperthermia, susceptibility to, 1 (MHS1). Also called: RYR1-Related Malignant Hyperthermia Susceptibility; Anesthesia related hyperthermia; Malignant hyperpyrexia; Fulminating hyperpyrexia; Pharmacogenic myopathy; Malignant hyperthermia suceptibility 1. Identifiers: Orphanet 423, MedGen C2930980, MONDO:0007783, OMIM 145600.
RYR1-related disorder. Also called: RYR1-related disorders; RYR1-related condition. Identifiers: MedGen CN239331.

Submissions (2):

All of Us Research Program, National Institutes of Health
Classification: Uncertain significance for Malignant hyperthermia, susceptibility to, 1. Last evaluated: 2024-05-30. Review status: criteria provided, single submitter. Criteria: ACMG Guidelines, 2015. Collection method: clinical testing. Allele origin: germline. Inheritance: Autosomal dominant inheritance. Observed: 1 variant allele, 1 heterozygote.
Comment: This missense variant replaces alanine with aspartic acid at codon 1226 of the RYR1 protein. Computational prediction suggests that this variant may have deleterious impact on protein structure and function (internally defined REVEL score threshold >= 0.7, PMID: 27666373). To our knowledge, functional studies have not been reported for this variant. This variant has not been reported in individuals affected with RYR1-related disorders in the literature. This variant has not been identified in the general population by the Genome Aggregation Database (gnomAD). The available evidence is insufficient to determine the role of this variant in disease conclusively. Therefore, this variant is classified as a Variant of Uncertain Significance.

This study involves interpretation of variants in research participants for the purpose of population health screening. Participant phenotype was not available at the time of variant classification. Additional details can be found in publication PMID: 35346344, PMCID: PMC8962531

Labcorp Genetics (formerly Invitae), Labcorp
Classification: Uncertain significance for RYR1-related disorder. Last evaluated: 2018-09-27. Review status: criteria provided, single submitter. Criteria: Invitae Variant Classification Sherloc (09022015). Collection method: clinical testing. Allele origin: germline.
Comment: This sequence change replaces alanine with aspartic acid at codon 1226 of the RYR1 protein (p.Ala1226Asp). The alanine residue is highly conserved and there is a moderate physicochemical difference between alanine and aspartic acid. This variant is not present in population databases (ExAC no frequency). This variant has not been reported in the literature in individuals with RYR1-related disease. Algorithms developed to predict the effect of missense changes on protein structure and function are either unavailable or do not agree on the potential impact of this missense change (SIFT: "Deleterious"; PolyPhen-2: "Probably Damaging"; Align-GVGD: "Class C0"). In summary, the available evidence is currently insufficient to determine the role of this variant in disease. Therefore, it has been classified as a Variant of Uncertain Significance.

NM_000540.3(RYR1):c.3677C>A (p.Ala1226Asp)

Gene: RYR1 (ryanodine receptor 1; plus strand). Cytogenetic location: 19q13.2.
Variant type: single nucleotide variant.
Coding change: c.3677C>A on transcript NM_000540.3 (MANE Select); coding-DNA position 3677, C replaced by A.
Protein change: p.Ala1226Asp; replaces alanine 1226 with aspartic acid.
Molecular consequence: missense variant.
Genome position (GRCh38, 1-based): chr19:38,469,425, C>A. VCF-style: chr19-38469425-C-A. GRCh37 (hg19) VCF-style: chr19-38960065-C-A.
Other names: c.3677C>A, p.Ala1226Asp (NM_001042723.2); short protein forms A1226D.
Identifiers: ClinVar variation 657462 (VCV000657462.9), dbSNP rs1600720111, ClinGen allele CA405639578.
Genomic context (GRCh38, chr19:38,469,425, plus strand): 5'-ACGTGAGCTCTCTGAGGTTCTTTGCCATCTGTGGCCTCCAGGAAGGCTTCGAGCCATTTG[C>A]CATCAACATGCAGCGCCCAGTCACCACCTGGTTCAGCAAAGGCCTGCCCCAGTTTGAGCC-3'
Protein context (NP_000531.2, residues 1216-1236): CGLQEGFEPF[Ala1226Asp]INMQRPVTTW